The following is an entry in ClinVar:

NM_000397.4(CYBB):c.674+6T>C

Gene: CYBB (cytochrome b-245 beta chain; plus strand). Cytogenetic location: Xp21.1.
Variant type: single nucleotide variant.
Coding change: c.674+6T>C on transcript NM_000397.4 (MANE Select); 6 bases into the intron after coding-DNA position 674, T replaced by C.
Molecular consequence: intron variant.
Genome position (GRCh38, 1-based): chrX:37,796,147, T>C. VCF-style: chrX-37796147-T-C. GRCh37 (hg19) VCF-style: chrX-37655400-T-C.
Identifiers: ClinVar variation 1373829 (VCV001373829.8), dbSNP rs2146811888, ClinGen allele CA2573158631.

ClinVar aggregate classification (germline): Uncertain significance (1 of 4 stars; one submission).

Conditions:
Granulomatous disease, chronic, X-linked. Also called: CYTOCHROME b-NEGATIVE GRANULOMATOUS DISEASE, CHRONIC, X-LINKED; GRANULOMATOUS DISEASE, CHRONIC, X-LINKED, SOMATIC MOSAIC. Identifiers: Orphanet 379, MedGen C1844376, MONDO:0010600, OMIM 306400.

Submission:

Labcorp Genetics (formerly Invitae), Labcorp
Classification: Uncertain significance for Granulomatous disease, chronic, X-linked. Last evaluated: 2022-09-02. Review status: criteria provided, single submitter. Criteria: Invitae Variant Classification Sherloc (09022015). Collection method: clinical testing. Allele origin: germline.
Comment: This sequence change falls in intron 6 of the CYBB gene. It does not directly change the encoded amino acid sequence of the CYBB protein. It affects a nucleotide within the consensus splice site. This variant is not present in population databases (gnomAD no frequency). This variant has been observed in individual(s) with chronic granulomatous disease (PMID: 20729109). ClinVar contains an entry for this variant (Variation ID: 1373829). Variants that disrupt the consensus splice site are a relatively common cause of aberrant splicing (PMID: 17576681, 9536098). Algorithms developed to predict the effect of sequence changes on RNA splicing suggest that this variant may disrupt the consensus splice site. In summary, the available evidence is currently insufficient to determine the role of this variant in disease. Therefore, it has been classified as a Variant of Uncertain Significance.

Literature cited by the submitters: PubMed 20729109; PubMed 17576681; PubMed 9536098.